The following is an entry in ClinVar:

ClinVar aggregate classification (germline): Likely benign (1 of 4 stars; one submission).

Submission:

CeGaT Center for Human Genetics Tuebingen
Classification: Likely benign. Last evaluated: 2026-09-01. Review status: criteria provided, single submitter. Criteria: CeGaT Center For Human Genetics Tuebingen Variant Classification Criteria Version 2. Collection method: clinical testing. Allele origin: germline. Affected: yes. Observed: 1 variant allele.
Comment: ELOA3BP: BP4, BP7

NM_001387690.1(KATNAL2):c.51+22354G>A

Gene: KATNAL2 (katanin catalytic subunit A1 like 2; plus strand). Cytogenetic location: 18q21.1.
Variant type: single nucleotide variant.
Coding change: c.51+22354G>A on transcript NM_001387690.1 (MANE Select); 22354 bases into the intron after coding-DNA position 51, G replaced by A.
Molecular consequence: intron variant.
Genome position (GRCh38, 1-based): chr18:46,969,277, G>A. VCF-style: chr18-46969277-G-A. GRCh37 (hg19) VCF-style: chr18-44549240-G-A.
Other names: c.-2+22354G>A (NM_001353904.1, NM_001353903.1, NM_001353907.1 and 3 more transcripts); c.129+22354G>A (NM_001353899.1, NM_001353900.1, NM_001353902.1); c.51+22354G>A (NM_001353901.1, NM_001367621.1); c.-295+22354G>A (NM_001353905.1); c.-95+22354G>A (NM_031303.3).
Identifiers: ClinVar variation 5041177 (VCV005041177.1).
Genomic context (GRCh38, chr18:46,969,277, plus strand): 5'-ATCGGGCGTCCACCCTTCCAGAACGGGTTCAAGAACCGAGTAGGGGACCCCTTCCACGTC[G>A]CCGAGGGCGTCCGGATTGTTCCTAGGCACCCGGAGGCACTGCTGGCGCAGCGTCGGCACC-3'